The following is an entry in ClinVar:

ClinVar aggregate classification (germline): Uncertain significance. Review status: criteria provided, multiple submitters, no conflicts (2 of 4 stars). 3 submissions from 3 submitters: Uncertain significance (3). Last evaluated 2025-07-25.

Conditions:
Hereditary cancer-predisposing syndrome. Also called: Neoplastic Syndromes, Hereditary; Tumor predisposition; Hereditary Cancer Syndrome; Hereditary neoplastic syndrome. Identifiers: Orphanet 140162, MedGen C0027672, MeSH D009386, MONDO:0015356.

Allele frequency attached by ClinVar (database versions not stated): TOPMed below 0.00001; ExAC 0.00001; gnomAD 0.00001; gnomAD exomes 0.00001.
gnomAD v4.1: 7 of 1,613,982 alleles (0.00043%); highest among the groups gnomAD compares: South Asian, 0.0055%; no homozygotes.

Submissions (3):

Ambry Genetics
Classification: Uncertain significance for Hereditary cancer-predisposing syndrome. Last evaluated: 2025-07-25. Review status: criteria provided, single submitter. Criteria: Ambry Variant Classification Scheme 2023. Collection method: clinical testing. Allele origin: germline.
Comment: The p.D1294E variant (also known as c.3882T>G), located in coding exon 25 of the RAD50 gene, results from a T to G substitution at nucleotide position 3882. The aspartic acid at codon 1294 is replaced by glutamic acid, an amino acid with highly similar properties. This amino acid position is highly conserved in available vertebrate species. In addition, this alteration is predicted to be tolerated by in silico analysis. Since supporting evidence is limited at this time, the clinical significance of this alteration remains unclear.

Labcorp Genetics (formerly Invitae), Labcorp
Classification: Uncertain significance for Hereditary cancer-predisposing syndrome. Last evaluated: 2024-05-29. Review status: criteria provided, single submitter. Criteria: Invitae Variant Classification Sherloc (09022015). Collection method: clinical testing. Allele origin: germline.
Comment: This sequence change replaces aspartic acid, which is acidic and polar, with glutamic acid, which is acidic and polar, at codon 1294 of the RAD50 protein (p.Asp1294Glu). This variant is present in population databases (rs587781426, gnomAD 0.006%). This variant has not been reported in the literature in individuals affected with RAD50-related conditions. ClinVar contains an entry for this variant (Variation ID: 140996). Advanced modeling of protein sequence and biophysical properties (such as structural, functional, and spatial information, amino acid conservation, physicochemical variation, residue mobility, and thermodynamic stability) performed at Invitae indicates that this missense variant is not expected to disrupt RAD50 protein function with a negative predictive value of 80%. In summary, the available evidence is currently insufficient to determine the role of this variant in disease. Therefore, it has been classified as a Variant of Uncertain Significance.

Quest Diagnostics Nichols Institute San Juan Capistrano
Classification: Uncertain significance. Last evaluated: 2023-09-26. Review status: criteria provided, single submitter. Criteria: Quest Diagnostics criteria. Collection method: clinical testing. Allele origin: unknown.

Literature cited by the submitters: PubMed 33471991 (cited by Quest Diagnostics Nichols Institute San Juan Capistrano).

NM_005732.4(RAD50):c.3882T>G (p.Asp1294Glu)

Genes: RAD50 (RAD50 double strand break repair protein; plus strand), TH2LCRR (T helper type 2 locus control region associated RNA; minus strand). Cytogenetic location: 5q31.1.
Variant type: single nucleotide variant.
Coding change: c.3882T>G on transcript NM_005732.4 (MANE Select); coding-DNA position 3882, T replaced by G.
Protein change: p.Asp1294Glu; replaces aspartic acid 1294 with glutamic acid.
Molecular consequence: missense variant.
Genome position (GRCh38, 1-based): chr5:132,642,307, T>G. VCF-style: chr5-132642307-T-G. GRCh37 (hg19) VCF-style: chr5-131977999-T-G.
Other names: short protein forms D1294E.
Identifiers: ClinVar variation 140996 (VCV000140996.14), dbSNP rs587781426, ClinGen allele CA164169.